The following is an entry in ClinVar:

ClinVar aggregate classification (germline): Likely benign (1 of 4 stars; one submission).

Conditions:
CNOT9-related condition.

gnomAD v4.1: 306 of 999,944 alleles (0.031%); highest among the groups gnomAD compares: Non-Finnish European, 0.036%; no homozygotes.

Submission:

PreventionGenetics, part of Exact Sciences
Classification: Likely benign for CNOT9-related condition. Last evaluated: 2025-06-03. Review status: criteria provided, single submitter. Criteria: ACMG Guidelines, 2015. Collection method: clinical testing. Allele origin: germline.
Comment: This variant is classified as likely benign based on ACMG/AMP sequence variant interpretation guidelines (Richards et al. 2015 PMID: 25741868, with internal and published modifications).

NM_005444.3(CNOT9):c.431-211G>A

Gene: CNOT9 (CCR4-NOT transcription complex subunit 9; plus strand). Cytogenetic location: 2q35.
Variant type: single nucleotide variant.
Coding change: c.431-211G>A on transcript NM_005444.3 (MANE Select); 211 bases into the intron before coding-DNA position 431, G replaced by A.
Molecular consequence: intron variant. On other transcripts: synonymous variant (1).
Genome position (GRCh38, 1-based): chr2:218,587,375, G>A. VCF-style: chr2-218587375-G-A. GRCh37 (hg19) VCF-style: chr2-219452098-G-A.
Other names: c.501G>A, p.Ser167= (NM_001271634.2); c.431-211G>A (NM_001271635.2).
Identifiers: ClinVar variation 4978996 (VCV004978996.1).